The following is an entry in ClinVar:

NM_001844.5(COL2A1):c.2354G>A (p.Arg785Gln)

Gene: COL2A1 (collagen type II alpha 1 chain; minus strand). Cytogenetic location: 12q13.11.
Variant type: single nucleotide variant.
Coding change: c.2354G>A on transcript NM_001844.5 (MANE Select); coding-DNA position 2354, G replaced by A.
Protein change: p.Arg785Gln; replaces arginine 785 with glutamine.
Molecular consequence: missense variant.
Genome position (GRCh38, 1-based): chr12:47,982,108, C>T on the plus strand (G>A on the coding strand, the complement: COL2A1 is on the minus strand). VCF-style: chr12-47982108-C-T. GRCh37 (hg19) VCF-style: chr12-48375891-C-T.
Other names: c.2147G>A, p.Arg716Gln (NM_033150.3); short protein forms R716Q, R785Q.
Identifiers: ClinVar variation 962964 (VCV000962964.14), dbSNP rs759073173, ClinGen allele CA6535137.

ClinVar aggregate classification (germline): Uncertain significance. Review status: criteria provided, multiple submitters, no conflicts (2 of 4 stars). 4 submissions from 4 submitters: Uncertain significance (4). Last evaluated 2025-07-09.

Conditions:
Inborn genetic diseases. Identifiers: MedGen C0950123, MeSH D030342.

Allele frequency attached by ClinVar (database versions not stated): TOPMed below 0.00001.
gnomAD v4.1: 7 of 1,613,862 alleles (0.00043%); highest among the groups gnomAD compares: East Asian, 0.0067%; no homozygotes.

Submissions (4):

Labcorp Genetics (formerly Invitae), Labcorp
Classification: Uncertain significance. Last evaluated: 2025-07-09. Review status: criteria provided, single submitter. Criteria: Invitae Variant Classification Sherloc (09022015). Collection method: clinical testing. Allele origin: germline.
Comment: This sequence change replaces arginine, which is basic and polar, with glutamine, which is neutral and polar, at codon 785 of the COL2A1 protein (p.Arg785Gln). This variant is present in population databases (rs759073173, gnomAD 0.03%). This variant has not been reported in the literature in individuals affected with COL2A1-related conditions. ClinVar contains an entry for this variant (Variation ID: 962964). Experimental studies and prediction algorithms are not available or were not evaluated, and the functional significance of this variant is currently unknown. In summary, the available evidence is currently insufficient to determine the role of this variant in disease. Therefore, it has been classified as a Variant of Uncertain Significance.

Ambry Genetics
Classification: Uncertain significance for Inborn genetic diseases. Last evaluated: 2025-03-07. Review status: criteria provided, single submitter. Criteria: Ambry Variant Classification Scheme 2023. Collection method: clinical testing. Allele origin: germline.

GeneDx
Classification: Uncertain significance. Last evaluated: 2024-06-26. Review status: criteria provided, single submitter. Criteria: GeneDx Variant Classification Process June 2021. Collection method: clinical testing. Allele origin: germline. Affected: yes.
Comment: In silico analysis supports that this missense variant has a deleterious effect on protein structure/function; Has not been previously published as pathogenic or benign to our knowledge; Occurs in the triple helical domain at the X position in the canonical Gly-X-Y repeat; although this variant may have an effect on normal protein folding and function, missense substitution at the X position is not a common mechanism of disease (HGMD)

Revvity Omics, Revvity
Classification: Uncertain significance. Last evaluated: 2021-01-09. Review status: criteria provided, single submitter. Criteria: ACMG Guidelines, 2015. Collection method: clinical testing. Allele origin: germline.